The following is an entry in ClinVar:

ClinVar aggregate classification (germline): Uncertain significance (1 of 4 stars; one submission).

Submission:

Labcorp Genetics (formerly Invitae), Labcorp
Classification: Uncertain significance. Last evaluated: 2025-02-10. Review status: criteria provided, single submitter. Criteria: Invitae Variant Classification Sherloc (09022015). Collection method: clinical testing. Allele origin: germline.
Comment: This sequence change creates a premature translational stop signal (p.Lys333*) in the CARD8 gene. It is expected to result in an absent or disrupted protein product. However, the current clinical and genetic evidence is not sufficient to establish whether loss-of-function variants in CARD8 cause disease. This variant is not present in population databases (gnomAD no frequency). This variant has not been reported in the literature in individuals affected with CARD8-related conditions. In summary, the available evidence is currently insufficient to determine the role of this variant in disease. Therefore, it has been classified as a Variant of Uncertain Significance.

NM_001184900.3(CARD8):c.1147_1150del (p.Leu382_Lys383insTer)

Gene: CARD8 (caspase recruitment domain family member 8; minus strand). Cytogenetic location: 19q13.33.
Variant type: Deletion.
Coding change: c.1147_1150del on transcript NM_001184900.3 (MANE Select); coding-DNA positions 1147 to 1150, 4 bases deleted (AAAG; older notation c.1147_1150delAAAG).
Protein change: p.Leu382_Lys383insTer.
Molecular consequence: nonsense. On other transcripts: non-coding transcript variant (3).
Genome position (GRCh38, 1-based): chr19:48,221,741-48,221,744, CTTT deleted on the plus strand (AAAG on the coding strand, the reverse complement: CARD8 is on the minus strand); deleting any 4 consecutive bases within chr19:48,221,741-48,221,745 gives the same sequence; the c. name uses the placement nearest the transcript's 3' end. VCF-style (leftmost placement, unchanged base first): chr19-48221740-ACTTT-A. GRCh37 (hg19) VCF-style: chr19-48724997-ACTTT-A.
Other names: c.997_1000del, p.Leu332_Lys333insTer (NM_001184901.1, NM_001351783.2, NM_001351788.2 and 2 more transcripts); c.1147_1150del, p.Leu382_Lys383insTer (NM_001184902.2, NM_001184903.1, NM_001351782.2); c.832_835del, p.Leu277_Lys278insTer (NM_001351784.2, NM_001351787.2, NM_001351791.2 and 1 more transcripts); c.811_814del, p.Leu270_Lys271insTer (NM_001351786.2); c.904_907del, p.Leu301_Lys302insTer (NM_001351790.2); c.829_832del, p.Leu276_Lys277insTer (NM_001365950.1).
Identifiers: ClinVar variation 3656069 (VCV003656069.2).